The following is an entry in ClinVar:

ClinVar aggregate classification (germline): Uncertain significance (1 of 4 stars; one submission).

Conditions:
Brugada syndrome. Also called: Sudden unexpected nocturnal death syndrome; Sudden Unexplained Death Syndrome; Sudden Unexplained Nocturnal Death Syndrome (SUNDS); Sudden unexplained nocturnal death syndrome. Identifiers: Orphanet 130, MedGen C1142166, MONDO:0015263.

gnomAD v4.1: 10 of 1,210,670 alleles (0.00083%); highest among the groups gnomAD compares: African/African-American, 0.017%; no homozygotes.

Submission:

Labcorp Genetics (formerly Invitae), Labcorp
Classification: Uncertain significance for Brugada syndrome. Last evaluated: 2025-08-17. Review status: criteria provided, single submitter. Criteria: Invitae Variant Classification Sherloc (09022015). Collection method: clinical testing. Allele origin: germline.
Comment: This sequence change affects codon 87 of the KCNE5 mRNA. It is a 'silent' change, meaning that it does not change the encoded amino acid sequence of the KCNE5 protein. The frequency data for this variant in the population databases is considered unreliable, as metrics indicate poor data quality at this position in the gnomAD database. This variant has not been reported in the literature in individuals affected with KCNE5-related conditions. In summary, the available evidence is currently insufficient to determine the role of this variant in disease. Therefore, it has been classified as a Variant of Uncertain Significance.

NM_012282.4(KCNE5):c.261C>A (p.Leu87=)

Gene: KCNE5 (potassium voltage-gated channel subfamily E regulatory subunit 5; minus strand). Cytogenetic location: Xq23.
Variant type: single nucleotide variant.
Coding change: c.261C>A on transcript NM_012282.4 (MANE Select); coding-DNA position 261, C replaced by A.
Protein change: p.Leu87=; no amino-acid change (leucine 87 retained).
Molecular consequence: synonymous variant.
Genome position (GRCh38, 1-based): chrX:109,624,760, G>T on the plus strand (C>A on the coding strand, the complement: KCNE5 is on the minus strand). VCF-style: chrX-109624760-G-T. GRCh37 (hg19) VCF-style: chrX-108867989-G-T.
Identifiers: ClinVar variation 4766998 (VCV004766998.1).